The following is an entry in ClinVar:

NM_001165963.4(SCN1A):c.5107G>T (p.Asp1703Tyr)

Genes: SCN1A (sodium voltage-gated channel alpha subunit 1; minus strand), LOC102724058 (uncharacterized LOC102724058; plus strand). Cytogenetic location: 2q24.3.
Variant type: single nucleotide variant.
Coding change: c.5107G>T on transcript NM_001165963.4 (MANE Select); coding-DNA position 5107, G replaced by T.
Protein change: p.Asp1703Tyr; replaces aspartic acid 1703 with tyrosine.
Molecular consequence: missense variant. On other transcripts: non-coding transcript variant (1).
Genome position (GRCh38, 1-based): chr2:165,992,168, C>A on the plus strand (G>T on the coding strand, the complement: SCN1A is on the minus strand). VCF-style: chr2-165992168-C-A. GRCh37 (hg19) VCF-style: chr2-166848678-C-A.
Other names: c.5023G>T, p.Asp1675Tyr (NM_001165964.3, NM_001353957.2, NM_001353958.2); c.5107G>T, p.Asp1703Tyr (NM_001202435.3, NM_001353948.2); c.5074G>T, p.Asp1692Tyr (NM_001353949.2, NM_001353950.2, NM_001353951.2 and 2 more transcripts); c.5071G>T, p.Asp1691Tyr (NM_001353954.2, NM_001353955.2); c.5020G>T, p.Asp1674Tyr (NM_001353960.2); c.2665G>T, p.Asp889Tyr (NM_001353961.2); short protein forms D1674Y, D1675Y, D1703Y, D1692Y, D1691Y, D889Y.
Identifiers: ClinVar variation 3720366 (VCV003720366.2).

ClinVar aggregate classification (germline): Likely pathogenic (1 of 4 stars; one submission).

Conditions:
Early-infantile DEE. Also called: Ohtahara syndrome; Early infantile epileptic encephalopathy with suppression bursts; Early infantile epileptic encephalopathy. Identifiers: Orphanet 1934, MedGen C0393706, MONDO:0800491.

Submission:

Labcorp Genetics (formerly Invitae), Labcorp
Classification: Likely pathogenic for Early-infantile DEE. Last evaluated: 2024-09-09. Review status: criteria provided, single submitter. Criteria: Invitae Variant Classification Sherloc (09022015). Collection method: clinical testing. Allele origin: germline.
Comment: This sequence change replaces aspartic acid, which is acidic and polar, with tyrosine, which is neutral and polar, at codon 1703 of the SCN1A protein (p.Asp1703Tyr). This variant is not present in population databases (gnomAD no frequency). This missense change has been observed in individual(s) with Dravet syndrome (PMID: 28012175). Invitae Evidence Modeling of protein sequence and biophysical properties (such as structural, functional, and spatial information, amino acid conservation, physicochemical variation, residue mobility, and thermodynamic stability) indicates that this missense variant is expected to disrupt SCN1A protein function with a positive predictive value of 95%. This variant disrupts the p.Asp1703 amino acid residue in SCN1A. Other variant(s) that disrupt this residue have been observed in individuals with SCN1A-related conditions (PMID: 35571373), which suggests that this may be a clinically significant amino acid residue. In summary, the currently available evidence indicates that the variant is pathogenic, but additional data are needed to prove that conclusively. Therefore, this variant has been classified as Likely Pathogenic.

Literature cited by the submitters: PubMed 28012175; PubMed 35571373.